The following is an entry in ClinVar:

NM_000277.3(PAH):c.1150C>T (p.Pro384Ser)

Gene: PAH (phenylalanine hydroxylase; minus strand). Cytogenetic location: 12q23.2.
Variant type: single nucleotide variant.
Coding change: c.1150C>T on transcript NM_000277.3 (MANE Select); coding-DNA position 1150, C replaced by T.
Protein change: p.Pro384Ser; replaces proline 384 with serine.
Molecular consequence: missense variant.
Genome position (GRCh38, 1-based): chr12:102,843,695, G>A on the plus strand (C>T on the coding strand, the complement: PAH is on the minus strand). VCF-style: chr12-102843695-G-A. GRCh37 (hg19) VCF-style: chr12-103237473-G-A.
Other names: NM_000277.3(PAH):c.1150C>T; p.Pro384Ser; c.1150C>T, p.Pro384Ser (NM_001354304.2); short protein forms P384S.
Identifiers: ClinVar variation 551270 (VCV000551270.6), dbSNP rs1555203677, ClinGen allele CA16020950.

ClinVar aggregate classification (germline): Uncertain significance. Review status: reviewed by expert panel (3 of 4 stars). 4 submissions from 4 submitters: Uncertain significance (1). 3 of the submissions do not count toward it. Last evaluated 2021-04-23.

Conditions:
Phenylketonuria (PKU). Also called: Phenylketonurias; Phenylketonuria (PKU); OLIGOPHRENIA PHENYLPYRUVICA; FOLLING DISEASE. Identifiers: Orphanet 716, MedGen C0031485, MONDO:0009861, OMIM 261600. Disease mechanism: loss of function.

gnomAD v4.1: 2 of 1,613,546 alleles (0.00012%); highest among the groups gnomAD compares: South Asian, 0.0022%; no homozygotes.

Submissions (4):

ClinGen PAH Variant Curation Expert Panel
Classification: Uncertain significance for Phenylketonuria. Last evaluated: 2021-04-23. Review status: reviewed by expert panel. Criteria: ClinGen PAH ACMG Specifications v1. Collection method: curation. Allele origin: germline. Inheritance: Autosomal recessive inheritance.
Comment: The c.1150C>T (p.Pro384Ser) PAH variant has been reported in at least one “phenylketonuria” or “hyperphenylalaninemia” proband (PMID: 31332730). This variant is absent from 1000G, ESP, and gnomAD databases. It is a missense variant predicted deleterious by Polyphen (probably damaging), MutationTaster (disease causing), and has a REVEL score of 0.902. In summary, this variant meets criteria to be classified as uncertain significance for PAH. PAH-specific ACMG/AMP criteria applied: PM2, PP3.

Labcorp Genetics (formerly Invitae), Labcorp
Classification: Uncertain significance for Phenylketonuria. Last evaluated: 2022-06-15. Review status: criteria provided, single submitter. Criteria: Invitae Variant Classification Sherloc (09022015). Collection method: clinical testing. Allele origin: germline. Not counted in ClinVar's aggregate classification.
Comment: This sequence change replaces proline, which is neutral and non-polar, with serine, which is neutral and polar, at codon 384 of the PAH protein (p.Pro384Ser). This variant is not present in population databases (gnomAD no frequency). This missense change has been observed in individual(s) with PAH-related conditions (PMID: 26803807, 32668217). ClinVar contains an entry for this variant (Variation ID: 551270). Advanced modeling of protein sequence and biophysical properties (such as structural, functional, and spatial information, amino acid conservation, physicochemical variation, residue mobility, and thermodynamic stability) performed at Invitae indicates that this missense variant is expected to disrupt PAH protein function. Experimental studies are conflicting or provide insufficient evidence to determine the effect of this variant on PAH function (PMID: 26803807). In summary, the available evidence is currently insufficient to determine the role of this variant in disease. Therefore, it has been classified as a Variant of Uncertain Significance.

Women's Health and Genetics/Laboratory Corporation of America, LabCorp
Classification: Uncertain significance. Last evaluated: 2021-10-25. Review status: criteria provided, single submitter. Criteria: LabCorp Variant Classification Summary - May 2015. Collection method: clinical testing. Allele origin: germline. Not counted in ClinVar's aggregate classification.
Comment: Variant summary: PAH c.1150C>T (p.Pro384Ser) results in a non-conservative amino acid change located in the Aromatic amino acid hydroxylase, C-terminal domain (IPR019774) of the encoded protein sequence. Four of five in-silico tools predict a damaging effect of the variant on protein function. The variant was absent in 251242 control chromosomes. The available data on variant occurrences in the general population are insufficient to allow any conclusion about variant significance. To our knowledge, no occurrence of c.1150C>T in individuals affected with Phenylalanine Hydroxylase Deficiency (Phenylketonuria) has been reported although it has been cited as being a mild variant in the literature (example, Shen_2016, Trunzo_2016, Zhang_2016) and has also been subsequently cited by others without primary evidence supporting pathogenicity (example, Kuznetcova_2019, Hillert_2020). Multiple overlapping publications report experimental evidence evaluating an impact on protein function (example, Shen_2016, Trunzo_2016, Zhang_2016). The most pronounced variant effect results in >50%-90% of normal phenylalanine hydroxylase enzyme activity in-vitro and positive interallelic complementation when analyzed as a compound heterozygous genotype with p.R408W. One clinical diagnostic laboratory has submitted clinical-significance assessments for this variant to ClinVar after 2014 without evidence for independent evaluation and classified the variant as uncertain significance citing an overlapping evidence utilized in the context of this evaluation. Based on the evidence outlined above, the variant was classified as uncertain significance.

Counsyl
Classification: Uncertain significance for Phenylketonuria. Last evaluated: 2017-03-28. Review status: no assertion criteria provided. Collection method: clinical testing. Allele origin: unknown. Not counted in ClinVar's aggregate classification.

Literature cited by the submitters: PubMed 26803807 (cited by 3 submitters); PubMed 32668217 (cited by Labcorp Genetics (formerly Invitae), Labcorp and Women's Health and Genetics/Laboratory Corporation of America, LabCorp); PubMed 31332730 (cited by Women's Health and Genetics/Laboratory Corporation of America, LabCorp); PubMed 27620137 (cited by Women's Health and Genetics/Laboratory Corporation of America, LabCorp); PubMed 31102715 (cited by Women's Health and Genetics/Laboratory Corporation of America, LabCorp).